The following is an entry in ClinVar:

ClinVar aggregate classification (germline): Uncertain significance (1 of 4 stars; one submission).

Conditions:
Atrioventricular septal defect 5 (AVSD5). Identifiers: MedGen C3280939, MONDO:0013769, OMIM 614474.

gnomAD v4.1: 8 of 1,587,516 alleles (0.0005%); highest among the groups gnomAD compares: Admixed American, 0.0051%; no homozygotes.

Submission:

Labcorp Genetics (formerly Invitae), Labcorp
Classification: Uncertain significance for Atrioventricular septal defect 5. Last evaluated: 2022-05-08. Review status: criteria provided, single submitter. Criteria: Invitae Variant Classification Sherloc (09022015). Collection method: clinical testing. Allele origin: germline.
Comment: This variant has not been reported in the literature in individuals affected with GATA6-related conditions. In summary, the available evidence is currently insufficient to determine the role of this variant in disease. Therefore, it has been classified as a Variant of Uncertain Significance. Algorithms developed to predict the effect of missense changes on protein structure and function (SIFT, PolyPhen-2, Align-GVGD) all suggest that this variant is likely to be tolerated. This variant is present in population databases (rs554577705, gnomAD 0.009%). This sequence change replaces aspartic acid, which is acidic and polar, with asparagine, which is neutral and polar, at codon 66 of the GATA6 protein (p.Asp66Asn).

NM_005257.6(GATA6):c.196G>A (p.Asp66Asn)

Gene: GATA6 (GATA binding protein 6; plus strand). Cytogenetic location: 18q11.2.
Variant type: single nucleotide variant.
Coding change: c.196G>A on transcript NM_005257.6 (MANE Select); coding-DNA position 196, G replaced by A.
Protein change: p.Asp66Asn; replaces aspartic acid 66 with asparagine.
Molecular consequence: missense variant.
Genome position (GRCh38, 1-based): chr18:22,171,340, G>A. VCF-style: chr18-22171340-G-A. GRCh37 (hg19) VCF-style: chr18-19751301-G-A.
Other names: short protein forms D66N.
Identifiers: ClinVar variation 2014386 (VCV002014386.4), dbSNP rs554577705, ClinGen allele CA8908844.